The following is an entry in ClinVar:

NM_014927.5(CNKSR2):c.982A>G (p.Ser328Gly)

Gene: CNKSR2 (connector enhancer of kinase suppressor of Ras 2; plus strand). Cytogenetic location: Xp22.12.
Variant type: single nucleotide variant.
Coding change: c.982A>G on transcript NM_014927.5 (MANE Select); coding-DNA position 982, A replaced by G.
Protein change: p.Ser328Gly; replaces serine 328 with glycine.
Molecular consequence: missense variant.
Genome position (GRCh38, 1-based): chrX:21,526,891, A>G. VCF-style: chrX-21526891-A-G. GRCh37 (hg19) VCF-style: chrX-21545009-A-G.
Other names: c.982A>G, p.Ser328Gly (NM_001168647.3, NM_001168648.3, NM_001330773.2); c.835A>G, p.Ser279Gly (NM_001168649.3, NM_001330770.2, NM_001330771.2 and 1 more transcripts); short protein forms S279G, S328G.
Identifiers: ClinVar variation 2660145 (VCV002660145.24), dbSNP rs2519082359, ClinGen allele CA412550739.

ClinVar aggregate classification (germline): Uncertain significance (1 of 4 stars; one submission).

Submission:

CeGaT Center for Human Genetics Tuebingen
Classification: Uncertain significance. Last evaluated: 2023-09-01. Review status: criteria provided, single submitter. Criteria: CeGaT Center For Human Genetics Tuebingen Variant Classification Criteria Version 2. Collection method: clinical testing. Allele origin: germline. Affected: yes. Observed: 1 variant allele.
Comment: CNKSR2: PM2